The following is an entry in ClinVar:

ClinVar aggregate classification (germline): Uncertain significance (1 of 4 stars; one submission).

Submission:

GeneDx
Classification: Uncertain significance. Last evaluated: 2018-05-16. Review status: criteria provided, single submitter. Criteria: GeneDx Variant Classification (06012015). Collection method: clinical testing. Allele origin: germline. Affected: yes.
Comment: The Q144R variant has not been published as a pathogenic variant, nor has it been reported as a benign variant to our knowledge. The Q144R variant is not observed at a significant frequency in large population cohorts (Lek et al., 2016). This variant is a semi-conservative amino acid substitution, which may impact secondary protein structure as these residues differ in some properties. However, in-silico analyses, including protein predictors and evolutionary conservation, support that this variant does not alter protein structure/function.

NM_001849.4(COL6A2):c.431A>G (p.Gln144Arg)

Gene: COL6A2 (collagen type VI alpha 2 chain; plus strand). Cytogenetic location: 21q22.3.
Variant type: single nucleotide variant.
Coding change: c.431A>G on transcript NM_001849.4 (MANE Select); coding-DNA position 431, A replaced by G.
Protein change: p.Gln144Arg; replaces glutamine 144 with arginine.
Molecular consequence: missense variant.
Genome position (GRCh38, 1-based): chr21:46,112,294, A>G. VCF-style: chr21-46112294-A-G. GRCh37 (hg19) VCF-style: chr21-47532208-A-G.
Other names: c.431A>G, p.Gln144Arg (NM_058174.3, NM_058175.3); short protein forms Q144R.
Identifiers: ClinVar variation 546410 (VCV000546410.2), dbSNP rs1555871542, ClinGen allele CA410521555.